The following is an entry in ClinVar:

NM_001754.5(RUNX1):c.1302C>T (p.Asn434=)

Gene: RUNX1 (RUNX family transcription factor 1; minus strand). Cytogenetic location: 21q22.12.
Variant type: single nucleotide variant.
Coding change: c.1302C>T on transcript NM_001754.5 (MANE Select); coding-DNA position 1302, C replaced by T.
Protein change: p.Asn434=; no amino-acid change (asparagine 434 retained).
Molecular consequence: synonymous variant.
Genome position (GRCh38, 1-based): chr21:34,792,276, G>A on the plus strand (C>T on the coding strand, the complement: RUNX1 is on the minus strand). VCF-style: chr21-34792276-G-A. GRCh37 (hg19) VCF-style: chr21-36164573-G-A.
Other names: NM_001754.5(RUNX1):c.1302C>T; p.Asn434=; c.1221C>T, p.Asn407= (NM_001001890.3).
Identifiers: ClinVar variation 2999541 (VCV002999541.5), dbSNP rs1228065635, ClinGen allele CA512341087.

ClinVar aggregate classification (germline): Likely benign. Review status: reviewed by expert panel (3 of 4 stars). 3 submissions from 3 submitters: Likely benign (1). 2 of the submissions do not count toward it. Last evaluated 2024-09-18.

Conditions:
Hereditary thrombocytopenia and hematologic cancer predisposition syndrome. Identifiers: Orphanet 71290, MedGen CN281654, MONDO:0011071.
Inborn genetic diseases. Identifiers: MedGen C0950123, MeSH D030342.
Hereditary thrombocytopenia and hematological cancer predisposition syndrome associated with RUNX1. Also called: RUNX1 Familial Platelet Disorder with Associated Myeloid Malignancies; Familial Platelet Disorder with Propensity to Acute Myelogenous Leukemia; Familial thrombocytopenia with propensity to acute myelogenous leukemia; PLATELET DISORDER, ASPIRIN-LIKE. Identifiers: Orphanet 71290, MedGen C1832388, MeSH C563324, MONDO:0100083, OMIM 601399.

Allele frequency attached by ClinVar (database versions not stated): TOPMed below 0.00001.

Submissions (3):

ClinGen Myeloid Malignancy Variant Curation Expert Panel
Classification: Likely benign for Hereditary thrombocytopenia and hematologic cancer predisposition syndrome. Last evaluated: 2024-09-18. Review status: reviewed by expert panel. Criteria: ClinGen MyeloMalig ACMG Specifications v2. Collection method: curation. Allele origin: germline. Inheritance: Autosomal dominant inheritance.
Comment: NM_001754.5(RUNX1):c.1302C>T (p.Asn434=) is a synonymous variant which has a SpliceAI score ≤ 0.20 (0.0) (BP4). This variant has a SpliceAI score ≤ 0.20 (0.0) and evolutionary conservation algorithms predict the site as being not conserved (PhyloP score ≤ 2.0 (1.61) (BP7). This variant is completely absent from all population databases with at least 20x coverage for RUNX1 (PM2_Supporting). In summary, this variant meets criteria to be classified as likely benign. ACMG/AMP criteria applied, as specified by the Myeloid Malignancy Variant Curation Expert Panel for RUNX1: BP4, BP7, PM2_supporting.

Ambry Genetics
Classification: Likely benign for Inborn genetic diseases. Last evaluated: 2025-08-30. Review status: criteria provided, single submitter. Criteria: Ambry Variant Classification Scheme 2023. Collection method: clinical testing. Allele origin: germline. Not counted in ClinVar's aggregate classification.

Labcorp Genetics (formerly Invitae), Labcorp
Classification: Likely benign for Hereditary thrombocytopenia and hematological cancer predisposition syndrome associated with RUNX1. Last evaluated: 2023-07-03. Review status: criteria provided, single submitter. Criteria: Invitae Variant Classification Sherloc (09022015). Collection method: clinical testing. Allele origin: germline. Not counted in ClinVar's aggregate classification.